The following is an entry in ClinVar:

ClinVar aggregate classification (germline): Uncertain significance. Review status: criteria provided, multiple submitters, no conflicts (2 of 4 stars). 2 submissions from 2 submitters: Uncertain significance (2). Last evaluated 2024-02-05.

Conditions:
Inborn genetic diseases. Identifiers: MedGen C0950123, MeSH D030342.

Allele frequency attached by ClinVar (database versions not stated): ExAC 0.00005; gnomAD 0.00009; TOPMed 0.00009.
gnomAD v4.1: 53 of 1,613,392 alleles (0.0033%); highest among the groups gnomAD compares: African/African-American, 0.025%; no homozygotes.

Submissions (2):

Ambry Genetics
Classification: Uncertain significance for Inborn genetic diseases. Last evaluated: 2024-02-05. Review status: criteria provided, single submitter. Criteria: Ambry Variant Classification Scheme 2023. Collection method: clinical testing. Allele origin: germline.

Labcorp Genetics (formerly Invitae), Labcorp
Classification: Uncertain significance. Last evaluated: 2022-02-18. Review status: criteria provided, single submitter. Criteria: Invitae Variant Classification Sherloc (09022015). Collection method: clinical testing. Allele origin: germline.
Comment: This variant is present in population databases (rs763650901, gnomAD 0.03%). In summary, the available evidence is currently insufficient to determine the role of this variant in disease. Therefore, it has been classified as a Variant of Uncertain Significance. Advanced modeling of protein sequence and biophysical properties (such as structural, functional, and spatial information, amino acid conservation, physicochemical variation, residue mobility, and thermodynamic stability) performed at Invitae indicates that this missense variant is expected to disrupt PRKN protein function. This variant has not been reported in the literature in individuals affected with PRKN-related conditions. This sequence change replaces arginine, which is basic and polar, with tryptophan, which is neutral and slightly polar, at codon 191 of the PRKN protein (p.Arg191Trp).

NM_004562.3(PRKN):c.571C>T (p.Arg191Trp)

Gene: PRKN (parkin RBR E3 ubiquitin protein ligase; minus strand). Cytogenetic location: 6q26.
Variant type: single nucleotide variant.
Coding change: c.571C>T on transcript NM_004562.3 (MANE Select); coding-DNA position 571, C replaced by T.
Protein change: p.Arg191Trp; replaces arginine 191 with tryptophan.
Molecular consequence: missense variant. On other transcripts: intron variant (2).
Genome position (GRCh38, 1-based): chr6:162,054,138, G>A on the plus strand (C>T on the coding strand, the complement: PRKN is on the minus strand). VCF-style: chr6-162054138-G-A. GRCh37 (hg19) VCF-style: chr6-162475170-G-A.
Other names: c.172-80721C>T (NM_013988.3); c.535-80721C>T (NM_013987.3); c.571C>T (NM_004562.2); short protein forms R191W.
Identifiers: ClinVar variation 2077689 (VCV002077689.4), dbSNP rs763650901, ClinGen allele CA4090311.
Genomic context (GRCh38, chr6:162,054,138, plus strand): 5'-ACCAGGTACTTACTGCACTAGTCCCAGGGCAGTGTGGGGATTGGCATTCACCACTCATCC[G>A]GTTTGGAATTAAAACATCATCCCAGCAAGATGGACCCTTTGGGAAAAAACAACAATATAT-3'
Protein context (NP_004553.2, residues 181-201): SCWDDVLIPN[Arg191Trp]MSGECQSPHC